The following is an entry in ClinVar:

NM_006766.5(KAT6A):c.3525G>C (p.Leu1175Phe)

Gene: KAT6A (lysine acetyltransferase 6A; minus strand). Cytogenetic location: 8p11.21.
Variant type: single nucleotide variant.
Coding change: c.3525G>C on transcript NM_006766.5 (MANE Select); coding-DNA position 3525, G replaced by C.
Protein change: p.Leu1175Phe; replaces leucine 1175 with phenylalanine.
Molecular consequence: missense variant.
Genome position (GRCh38, 1-based): chr8:41,934,695, C>G on the plus strand (G>C on the coding strand, the complement: KAT6A is on the minus strand). VCF-style: chr8-41934695-C-G. GRCh37 (hg19) VCF-style: chr8-41792213-C-G.
Other names: short protein forms L1175F.
Identifiers: ClinVar variation 4689385 (VCV004689385.1).

ClinVar aggregate classification (germline): Uncertain significance (1 of 4 stars; one submission).

Submission:

Women's Health and Genetics/Laboratory Corporation of America, LabCorp
Classification: Uncertain significance. Last evaluated: 2026-01-14. Review status: criteria provided, single submitter. Criteria: LabCorp Variant Classification Summary - May 2015. Collection method: clinical testing. Allele origin: germline.
Comment: Variant summary: KAT6A c.3525G>C (p.Leu1175Phe) results in a non-conservative amino acid change in the encoded protein sequence. Algorithms developed to predict the effect of missense changes on protein structure and function are either unavailable or do not agree on the potential impact of this missense change. The variant was absent in 251482 control chromosomes. The available data on variant occurrences in the general population are insufficient to allow any conclusion about variant significance. To our knowledge, no occurrence of c.3525G>C in individuals affected with KAT6A-related conditions and no experimental evidence demonstrating its impact on protein function have been reported. No submitters have cited clinical-significance assessments for this variant to ClinVar. Based on the evidence outlined above, the variant was classified as uncertain significance.